The following is an entry in ClinVar:

ClinVar aggregate classification (germline): Uncertain significance (1 of 4 stars; one submission).

Conditions:
MHC class I deficiency. Identifiers: Orphanet 34592, MedGen C6024714, MONDO:0011476.

Allele frequency attached by ClinVar (database versions not stated): gnomAD exomes below 0.00001; ExAC 0.00001; gnomAD 0.00001; TOPMed 0.00002.
gnomAD v4.1: 8 of 1,614,054 alleles (0.0005%); highest among the groups gnomAD compares: Admixed American, 0.0083%; no homozygotes.

Submission:

Labcorp Genetics (formerly Invitae), Labcorp
Classification: Uncertain significance for MHC class I deficiency 1. Last evaluated: 2024-10-02. Review status: criteria provided, single submitter. Criteria: Invitae Variant Classification Sherloc (09022015). Collection method: clinical testing. Allele origin: germline.
Comment: This sequence change replaces tryptophan, which is neutral and slightly polar, with arginine, which is basic and polar, at codon 250 of the TAPBP protein (p.Trp250Arg). This variant is present in population databases (rs749823387, gnomAD 0.009%). This variant has not been reported in the literature in individuals affected with TAPBP-related conditions. An algorithm developed to predict the effect of missense changes on protein structure and function (PolyPhen-2) suggests that this variant is likely to be disruptive. In summary, the available evidence is currently insufficient to determine the role of this variant in disease. Therefore, it has been classified as a Variant of Uncertain Significance.

NM_003190.5(TAPBP):c.748T>C (p.Trp250Arg)

Gene: TAPBP (TAP binding protein; minus strand). Cytogenetic location: 6p21.32.
Variant type: single nucleotide variant.
Coding change: c.748T>C on transcript NM_003190.5 (MANE Select); coding-DNA position 748, T replaced by C.
Protein change: p.Trp250Arg; replaces tryptophan 250 with arginine.
Molecular consequence: missense variant.
Genome position (GRCh38, 1-based): chr6:33,305,109, A>G on the plus strand (T>C on the coding strand, the complement: TAPBP is on the minus strand). VCF-style: chr6-33305109-A-G. GRCh37 (hg19) VCF-style: chr6-33272886-A-G.
Other names: c.748T>C, p.Trp250Arg (NM_001410875.1, NM_172208.3); c.487T>C, p.Trp163Arg (NM_172209.3); short protein forms W163R, W250R.
Identifiers: ClinVar variation 2705149 (VCV002705149.3), dbSNP rs749823387, ClinGen allele CA3755814.